The following is an entry in ClinVar:

ClinVar aggregate classification (germline): Uncertain significance. Review status: criteria provided, multiple submitters, no conflicts (2 of 4 stars). 4 submissions from 4 submitters: Uncertain significance (4). Last evaluated 2023-10-26.

Conditions:
Autoinflammatory syndrome. Identifiers: Orphanet 93665, MedGen C3890737, MONDO:0019751.
Majeed syndrome (MJDS). Also called: LPIN2-Related Majeed Syndrome; CHRONIC RECURRENT MULTIFOCAL OSTEOMYELITIS 1, WITH CONGENITAL DYSERYTHROPOIETIC ANEMIA, WITH OR WITHOUT NEUTROPHILIC DERMATOSIS. Identifiers: Orphanet 77297, MedGen C1864997, MONDO:0012316, OMIM 609628.

Allele frequency attached by ClinVar (database versions not stated): gnomAD exomes below 0.00001; ExAC 0.00001; gnomAD 0.00001; TOPMed 0.00001; ESP Exome Variant Server 0.00008.
gnomAD v4.1: 18 of 1,614,062 alleles (0.0011%); highest among the groups gnomAD compares: Non-Finnish European, 0.0015%; no homozygotes.

Submissions (4):

Revvity Omics, Revvity
Classification: Uncertain significance for Majeed syndrome. Last evaluated: 2023-10-26. Review status: criteria provided, single submitter. Criteria: ACMG Guidelines, 2015. Collection method: clinical testing. Allele origin: germline.

Labcorp Genetics (formerly Invitae), Labcorp
Classification: Uncertain significance for Majeed syndrome. Last evaluated: 2021-07-19. Review status: criteria provided, single submitter. Criteria: Invitae Variant Classification Sherloc (09022015). Collection method: clinical testing. Allele origin: germline.
Comment: This sequence change replaces serine with arginine at codon 303 of the LPIN2 protein (p.Ser303Arg). The serine residue is moderately conserved and there is a moderate physicochemical difference between serine and arginine. In summary, the available evidence is currently insufficient to determine the role of this variant in disease. Therefore, it has been classified as a Variant of Uncertain Significance. Algorithms developed to predict the effect of missense changes on protein structure and function (SIFT, PolyPhen-2, Align-GVGD) all suggest that this variant is likely to be tolerated, but these predictions have not been confirmed by published functional studies and their clinical significance is uncertain. This variant has not been reported in the literature in individuals with LPIN2-related conditions. This variant is present in population databases (rs139798681, ExAC 0.001%).

Genome Diagnostics Laboratory, The Hospital for Sick Children
Classification: Uncertain significance for Autoinflammatory syndrome. Last evaluated: 2020-02-01. Review status: criteria provided, single submitter. Criteria: ACMG Guidelines, 2015. Collection method: clinical testing. Allele origin: germline. Affected: yes.

Illumina Laboratory Services, Illumina
Classification: Uncertain significance for Majeed syndrome. Last evaluated: 2018-01-12. Review status: criteria provided, single submitter. Criteria: ICSL Variant Classification Criteria 13 December 2019. Collection method: clinical testing. Allele origin: germline.

NM_001375808.2(LPIN2):c.907A>C (p.Ser303Arg)

Gene: LPIN2 (lipin 2; minus strand). Cytogenetic location: 18p11.31.
Variant type: single nucleotide variant.
Coding change: c.907A>C on transcript NM_001375808.2 (MANE Select); coding-DNA position 907, A replaced by C.
Protein change: p.Ser303Arg; replaces serine 303 with arginine.
Molecular consequence: missense variant.
Genome position (GRCh38, 1-based): chr18:2,937,953, T>G on the plus strand (A>C on the coding strand, the complement: LPIN2 is on the minus strand). VCF-style: chr18-2937953-T-G. GRCh37 (hg19) VCF-style: chr18-2937951-T-G.
Other names: c.907A>C, p.Ser303Arg (NM_001375809.1, NM_014646.2); short protein forms S303R.
Identifiers: ClinVar variation 659494 (VCV000659494.15), dbSNP rs139798681, ClinGen allele CA8873250.